The following is an entry in ClinVar:

ClinVar aggregate classification (germline): Uncertain significance (1 of 4 stars; one submission).

Conditions:
Hereditary pheochromocytoma and paraganglioma. Also called: Hereditary Paraganglioma-Pheochromocytoma Syndromes; Hereditary pheochromocytoma-paraganglioma; Hereditary paragangliomas and pheochromocytomas. Identifiers: Orphanet 29072, MedGen C4274332, MONDO:0017366.

Submission:

Labcorp Genetics (formerly Invitae), Labcorp
Classification: Uncertain significance for Hereditary pheochromocytoma and paraganglioma. Last evaluated: 2024-05-31. Review status: criteria provided, single submitter. Criteria: Invitae Variant Classification Sherloc (09022015). Collection method: clinical testing. Allele origin: germline.
Comment: This sequence change replaces glutamine, which is neutral and polar, with histidine, which is basic and polar, at codon 168 of the TMEM127 protein (p.Gln168His). This variant is not present in population databases (gnomAD no frequency). This variant has not been reported in the literature in individuals affected with TMEM127-related conditions. An algorithm developed to predict the effect of missense changes on protein structure and function (PolyPhen-2) suggests that this variant is likely to be tolerated. In summary, the available evidence is currently insufficient to determine the role of this variant in disease. Therefore, it has been classified as a Variant of Uncertain Significance.

NM_017849.4(TMEM127):c.504G>C (p.Gln168His)

Gene: TMEM127 (transmembrane protein 127; minus strand). Cytogenetic location: 2q11.2.
Variant type: single nucleotide variant.
Coding change: c.504G>C on transcript NM_017849.4 (MANE Select); coding-DNA position 504, G replaced by C.
Protein change: p.Gln168His; replaces glutamine 168 with histidine.
Molecular consequence: missense variant.
Genome position (GRCh38, 1-based): chr2:96,254,021, C>G on the plus strand (G>C on the coding strand, the complement: TMEM127 is on the minus strand). VCF-style: chr2-96254021-C-G. GRCh37 (hg19) VCF-style: chr2-96919759-C-G.
Other names: c.504G>C, p.Gln168His (NM_001193304.3); c.252G>C, p.Gln84His (NM_001407282.1, NM_001407283.1); short protein forms Q168H, Q84H.
Identifiers: ClinVar variation 2784924 (VCV002784924.3), dbSNP rs2104284725, ClinGen allele CA347652679.
Genomic context (GRCh38, chr2:96,254,021, plus strand): 5'-GATTGAGGCTCCACCAGCTCCTGCCACCAGGTAGAAGCTAACGGCGAAGGTGACATAGAC[C>G]TGGGATCCATGGTACTTCTTATGCTGCTGCTGCTGGGCCAAGATGAGTTCAGAAGCCCAA-3'
Protein context (NP_060319.1, residues 158-178): QQQHKKYHGS[Gln168His]VYVTFAVSFY